The following is an entry in ClinVar:

ClinVar aggregate classification (germline): Conflicting classifications of pathogenicity. Review status: criteria provided, conflicting classifications (1 of 4 stars). 3 submissions from 3 submitters: Uncertain significance (2); Likely benign (1). Last evaluated 2025-05-05.

Conditions:
Cardiovascular phenotype. Identifiers: MedGen CN230736.
Hereditary cancer-predisposing syndrome. Also called: Hereditary neoplastic syndrome; Neoplastic Syndromes, Hereditary; Tumor predisposition; Hereditary Cancer Syndrome. Identifiers: Orphanet 140162, MedGen C0027672, MeSH D009386, MONDO:0015356.
Neurofibromatosis, type 1 (NF1). Also called: VON RECKLINGHAUSEN DISEASE; Peripheral type neurofibromatosis; NEUROFIBROMATOSIS, TYPE I, SOMATIC; Neurofibromatosis, type I. Identifiers: Orphanet 636, MedGen C0027831, MONDO:0018975, OMIM 162200. Disease mechanism: loss of function.

Allele frequency attached by ClinVar (database versions not stated): gnomAD exomes below 0.00001; TOPMed below 0.00001; gnomAD 0.00001.
gnomAD v4.1: 6 of 1,611,938 alleles (0.00037%); highest among the groups gnomAD compares: Non-Finnish European, 0.00042%; no homozygotes.

Submissions (3):

Labcorp Genetics (formerly Invitae), Labcorp
Classification: Likely benign for Neurofibromatosis, type 1. Last evaluated: 2025-05-05. Review status: criteria provided, single submitter. Criteria: Invitae Variant Classification Sherloc (09022015). Collection method: clinical testing. Allele origin: germline.

Genome-Nilou Lab
Classification: Uncertain significance for Neurofibromatosis, type 1. Last evaluated: 2022-03-15. Review status: criteria provided, single submitter. Criteria: ACMG Guidelines, 2015. Collection method: clinical testing. Allele origin: germline. Affected: no.

Ambry Genetics
Classification: Uncertain significance for Cardiovascular phenotype; Hereditary cancer-predisposing syndrome. Last evaluated: 2021-12-17. Review status: criteria provided, single submitter. Criteria: Ambry Variant Classification Scheme 2023. Collection method: clinical testing. Allele origin: germline.
Comment: The p.R1513Q variant (also known as c.4538G>A), located in coding exon 34 of the NF1 gene, results from a G to A substitution at nucleotide position 4538. The arginine at codon 1513 is replaced by glutamine, an amino acid with highly similar properties. This alteration was observed with an allele frequency of 0.0000 in 53 unselected male breast cancer patients and was observed with an allele frequency of 0.0001 in 12,490 male controls of Japanese ancestry (Momozawa Y et al. Nat Commun, 2018 10;9:4083).This amino acid position is highly conserved in available vertebrate species. In addition, the in silico prediction for this alteration is inconclusive. Since supporting evidence is limited at this time, the clinical significance of this alteration remains unclear.

NM_001042492.3(NF1):c.4601G>A (p.Arg1534Gln)

Gene: NF1 (neurofibromin 1; plus strand). Cytogenetic location: 17q11.2.
Variant type: single nucleotide variant.
Coding change: c.4601G>A on transcript NM_001042492.3 (MANE Select); coding-DNA position 4601, G replaced by A.
Protein change: p.Arg1534Gln; replaces arginine 1534 with glutamine.
Molecular consequence: missense variant.
Genome position (GRCh38, 1-based): chr17:31,261,734, G>A. VCF-style: chr17-31261734-G-A. GRCh37 (hg19) VCF-style: chr17-29588752-G-A.
Other names: c.4538G>A, p.Arg1513Gln (NM_000267.4); short protein forms R1513Q, R1534Q.
Identifiers: ClinVar variation 484135 (VCV000484135.13), dbSNP rs867955218, ClinGen allele CA289353613.